The following is an entry in ClinVar:

ClinVar aggregate classification (germline): Uncertain significance. Review status: criteria provided, multiple submitters, no conflicts (2 of 4 stars). 2 submissions from 2 submitters: Uncertain significance (2). Last evaluated 2022-10-21.

Conditions:
Eichsfeld type congenital muscular dystrophy (CMYO3). Also called: MYOPATHY, SEPN1-RELATED; Rigid spine muscular dystrophy 1; SELENON-related myopathy; Congenital myopathy 3 with rigid spine. Identifiers: MedGen C0410180, MONDO:0100100, OMIM 602771.

Submissions (2):

Revvity Omics, Revvity
Classification: Uncertain significance for Eichsfeld type congenital muscular dystrophy. Last evaluated: 2022-10-21. Review status: criteria provided, single submitter. Criteria: ACMG Guidelines, 2015. Collection method: clinical testing. Allele origin: germline.

Labcorp Genetics (formerly Invitae), Labcorp
Classification: Uncertain significance for Eichsfeld type congenital muscular dystrophy. Last evaluated: 2019-08-29. Review status: criteria provided, single submitter. Criteria: Invitae Variant Classification Sherloc (09022015). Collection method: clinical testing. Allele origin: germline.
Comment: This variant, c.1510_1512del, results in the deletion of 1 amino acid(s) of the SELENON protein (p.Glu504del), but otherwise preserves the integrity of the reading frame. This variant is not present in population databases (ExAC no frequency). This variant has not been reported in the literature in individuals with SELENON-related conditions. Experimental studies and prediction algorithms are not available or were not evaluated for this variant, and the functional significance of this variant is currently unknown. In summary, the available evidence is currently insufficient to determine the role of this variant in disease. Therefore, it has been classified as a Variant of Uncertain Significance.

NM_206926.2(SELENON):c.1408_1410del (p.Glu470del)

Gene: SELENON (selenoprotein N; plus strand). Cytogenetic location: 1p36.11.
Variant type: Deletion.
Coding change: c.1408_1410del on transcript NM_206926.2 (MANE Select); coding-DNA positions 1408 to 1410, 3 bases deleted (GAG; older notation c.1408_1410delGAG).
Protein change: p.Glu470del; deletes glutamic acid 470.
Molecular consequence: inframe deletion.
Genome position (GRCh38, 1-based): chr1:25,814,086-25,814,088, GAG deleted; deleting any 3 consecutive bases within chr1:25,814,084-25,814,088 gives the same sequence; the c. name uses the placement nearest the transcript's 3' end. VCF-style (leftmost placement, unchanged base first): chr1-25814083-CAGG-C. GRCh37 (hg19) VCF-style: chr1-26140574-CAGG-C.
Other names: c.1510_1512del, p.Glu504del (NM_020451.3); short protein forms E504del, E470del.
Identifiers: ClinVar variation 954063 (VCV000954063.4), dbSNP rs1247672340, ClinGen allele CA734444810.